The following is an entry in ClinVar:

NM_000824.5(GLRB):c.695A>G (p.Asp232Gly)

Gene: GLRB (glycine receptor beta; plus strand). Cytogenetic location: 4q32.1.
Variant type: single nucleotide variant.
Coding change: c.695A>G on transcript NM_000824.5 (MANE Select); coding-DNA position 695, A replaced by G.
Protein change: p.Asp232Gly; replaces aspartic acid 232 with glycine.
Molecular consequence: missense variant.
Genome position (GRCh38, 1-based): chr4:157,138,893, A>G. VCF-style: chr4-157138893-A-G. GRCh37 (hg19) VCF-style: chr4-158060045-A-G.
Other names: c.695A>G, p.Asp232Gly (NM_001166060.2, NM_001166061.2); short protein forms D232G.
Identifiers: ClinVar variation 1987784 (VCV001987784.4), dbSNP rs1736508797, ClinGen allele CA358643607.

ClinVar aggregate classification (germline): Uncertain significance (1 of 4 stars; one submission).

Conditions:
Hyperekplexia 2 (HKPX2). Identifiers: Orphanet 3197, MedGen C3553291, MONDO:0013828, OMIM 614619.

Allele frequency attached by ClinVar (database versions not stated): gnomAD 0.00001; TOPMed 0.00001.

Submission:

Labcorp Genetics (formerly Invitae), Labcorp
Classification: Uncertain significance for Hyperekplexia 2. Last evaluated: 2022-08-16. Review status: criteria provided, single submitter. Criteria: Invitae Variant Classification Sherloc (09022015). Collection method: clinical testing. Allele origin: germline.
Comment: In summary, the available evidence is currently insufficient to determine the role of this variant in disease. Therefore, it has been classified as a Variant of Uncertain Significance. Algorithms developed to predict the effect of missense changes on protein structure and function are either unavailable or do not agree on the potential impact of this missense change (SIFT: "Tolerated"; PolyPhen-2: "Possibly Damaging"; Align-GVGD: "Class C0"). This variant has not been reported in the literature in individuals affected with GLRB-related conditions. This variant is not present in population databases (gnomAD no frequency). This sequence change replaces aspartic acid, which is acidic and polar, with glycine, which is neutral and non-polar, at codon 232 of the GLRB protein (p.Asp232Gly).